The following is an entry in ClinVar:

ClinVar aggregate classification (germline): Uncertain significance (1 of 4 stars; one submission).

Submission:

Labcorp Genetics (formerly Invitae), Labcorp
Classification: Uncertain significance. Last evaluated: 2026-01-22. Review status: criteria provided, single submitter. Criteria: Invitae Variant Classification Sherloc (09022015). Collection method: clinical testing. Allele origin: germline.
Comment: This sequence change replaces phenylalanine, which is neutral and non-polar, with valine, which is neutral and non-polar, at codon 467 of the GRM7 protein (p.Phe467Val). This variant is not present in population databases (gnomAD no frequency). This variant has not been reported in the literature in individuals affected with GRM7-related conditions. Invitae Evidence Modeling of protein sequence and biophysical properties (such as structural, functional, and spatial information, amino acid conservation, physicochemical variation, residue mobility, and thermodynamic stability) has been performed for this missense variant. However, the output from this modeling did not meet the statistical confidence thresholds required to predict the impact of this variant on GRM7 protein function. In summary, the available evidence is currently insufficient to determine the role of this variant in disease. Therefore, it has been classified as a Variant of Uncertain Significance.

NM_000844.4(GRM7):c.1399T>G (p.Phe467Val)

Gene: GRM7 (glutamate metabotropic receptor 7; plus strand). Cytogenetic location: 3p26.1.
Variant type: single nucleotide variant.
Coding change: c.1399T>G on transcript NM_000844.4 (MANE Select); coding-DNA position 1399, T replaced by G.
Protein change: p.Phe467Val; replaces phenylalanine 467 with valine.
Molecular consequence: missense variant.
Genome position (GRCh38, 1-based): chr3:7,461,606, T>G. VCF-style: chr3-7461606-T-G. GRCh37 (hg19) VCF-style: chr3-7503293-T-G.
Other names: c.1399T>G, p.Phe467Val (NM_181874.3); short protein forms F467V.
Identifiers: ClinVar variation 4743197 (VCV004743197.1).